The following is an entry in ClinVar:

NM_020975.6(RET):c.1406A>G (p.Asp469Gly)

Gene: RET (ret proto-oncogene; plus strand). Cytogenetic location: 10q11.21.
Variant type: single nucleotide variant.
Coding change: c.1406A>G on transcript NM_020975.6 (MANE Select); coding-DNA position 1406, A replaced by G.
Protein change: p.Asp469Gly; replaces aspartic acid 469 with glycine.
Molecular consequence: missense variant.
Genome position (GRCh38, 1-based): chr10:43,111,349, A>G. VCF-style: chr10-43111349-A-G. GRCh37 (hg19) VCF-style: chr10-43606797-A-G.
Other names: c.1277A>G, p.Asp426Gly (NM_001406762.1, NM_001406764.1, NM_001406768.1 and 1 more transcripts); c.1406A>G, p.Asp469Gly (NM_001406763.1, NM_001406765.1, NM_020629.2 and 6 more transcripts); c.1118A>G, p.Asp373Gly (NM_001406766.1, NM_001406767.1, NM_001406770.1); c.1010A>G, p.Asp337Gly (NM_001406769.1, NM_001406772.1); c.968A>G, p.Asp323Gly (NM_001406771.1, NM_001406773.1); c.881A>G, p.Asp294Gly (NM_001406774.1); c.680A>G, p.Asp227Gly (NM_001406775.1, NM_001406776.1, NM_001406777.1 and 1 more transcripts); c.416A>G, p.Asp139Gly (NM_001406784.1); and 1 more; short protein forms D215G, D469G, D294G, D426G, D227G, D337G, D139G, D323G.
Identifiers: ClinVar variation 650849 (VCV000650849.9), dbSNP rs1588871253, ClinGen allele CA376549445.

ClinVar aggregate classification (germline): Uncertain significance (1 of 4 stars; one submission).

Conditions:
Multiple endocrine neoplasia, type 2 (MEN2). Identifiers: Orphanet 653, MedGen C4048306, MONDO:0019003. Disease mechanism: gain of function.

Submission:

Labcorp Genetics (formerly Invitae), Labcorp
Classification: Uncertain significance for Multiple endocrine neoplasia, type 2. Last evaluated: 2018-09-03. Review status: criteria provided, single submitter. Criteria: Invitae Variant Classification Sherloc (09022015). Collection method: clinical testing. Allele origin: germline.
Comment: This sequence change replaces aspartic acid with glycine at codon 469 of the RET protein (p.Asp469Gly). The aspartic acid residue is highly conserved and there is a moderate physicochemical difference between aspartic acid and glycine. This variant is not present in population databases (ExAC no frequency). This variant has not been reported in the literature in individuals with RET-related disease. Algorithms developed to predict the effect of missense changes on protein structure and function are either unavailable or do not agree on the potential impact of this missense change (SIFT: "Tolerated"; PolyPhen-2: "Benign"; Align-GVGD: "Class C35"). In summary, the available evidence is currently insufficient to determine the role of this variant in disease. Therefore, it has been classified as a Variant of Uncertain Significance.